The following is an entry in ClinVar:

NM_000488.4(SERPINC1):c.657C>G (p.Asn219Lys)

Gene: SERPINC1 (serpin family C member 1; minus strand). Cytogenetic location: 1q25.1.
Variant type: single nucleotide variant.
Coding change: c.657C>G on transcript NM_000488.4 (MANE Select); coding-DNA position 657, C replaced by G.
Protein change: p.Asn219Lys; replaces asparagine 219 with lysine.
Molecular consequence: missense variant.
Genome position (GRCh38, 1-based): chr1:173,910,859, G>C on the plus strand (C>G on the coding strand, the complement: SERPINC1 is on the minus strand). VCF-style: chr1-173910859-G-C. GRCh37 (hg19) VCF-style: chr1-173879997-G-C.
Other names: c.513C>G, p.Asn171Lys (NM_001365052.2); c.657C>G, p.Asn219Lys (NM_001386302.1, NM_001386304.1, NM_001386305.1); c.738C>G, p.Asn246Lys (NM_001386303.1); c.441C>G, p.Asn147Lys (NM_001386306.1); short protein forms N147K, N171K, N219K, N246K.
Identifiers: ClinVar variation 2710509 (VCV002710509.3), dbSNP rs2526576947, ClinGen allele CA343775707.

ClinVar aggregate classification (germline): Uncertain significance (1 of 4 stars; one submission).

Conditions:
Hereditary antithrombin deficiency (AT3D). Also called: Antithrombin III deficiency; Reduced antithrombin III activity; Antithrombin deficiency; Thrombophilia due to antithrombin III deficiency. Identifiers: Orphanet 82, MedGen C0272375, MONDO:0013144, OMIM 613118, HP:0001976.

Submission:

Labcorp Genetics (formerly Invitae), Labcorp
Classification: Uncertain significance for Hereditary antithrombin deficiency. Last evaluated: 2024-01-20. Review status: criteria provided, single submitter. Criteria: Invitae Variant Classification Sherloc (09022015). Collection method: clinical testing. Allele origin: germline.
Comment: This sequence change replaces asparagine, which is neutral and polar, with lysine, which is basic and polar, at codon 219 of the SERPINC1 protein (p.Asn219Lys). This variant is not present in population databases (gnomAD no frequency). This missense change has been observed in individuals with antithrombin III deficiency (PMID: 28300866; Invitae). Advanced modeling of protein sequence and biophysical properties (such as structural, functional, and spatial information, amino acid conservation, physicochemical variation, residue mobility, and thermodynamic stability) has been performed at Invitae for this missense variant, however the output from this modeling did not meet the statistical confidence thresholds required to predict the impact of this variant on SERPINC1 protein function. This variant disrupts the p.Asn219 amino acid residue in SERPINC1. Other variant(s) that disrupt this residue have been observed in individuals with SERPINC1-related conditions (PMID: 28300866), which suggests that this may be a clinically significant amino acid residue. In summary, the available evidence is currently insufficient to determine the role of this variant in disease. Therefore, it has been classified as a Variant of Uncertain Significance.

Literature cited by the submitters: PubMed 28300866.